The following is an entry in ClinVar:

ClinVar aggregate classification (germline): Benign/Likely benign. Review status: criteria provided, multiple submitters, no conflicts (2 of 4 stars). 8 submissions from 8 submitters: Benign (1); Likely benign (6). 1 of the submissions does not count toward it. Last evaluated 2025-12-17.

Conditions:
Cardiomyopathy (CMYO). Also called: Cardiomyopathies. Identifiers: Orphanet 167848, MedGen C0878544, MONDO:0004994, HP:0001638. Inheritance: Various modes of inheritance.
Becker muscular dystrophy (BMD). Also called: MUSCULAR DYSTROPHY, PSEUDOHYPERTROPHIC PROGRESSIVE, BECKER TYPE; Becker Muscular Dystrophy (BMD). Identifiers: Orphanet 98895, MedGen C0917713, MONDO:0010311, OMIM 300376.
Duchenne muscular dystrophy (DMD). Also called: Duchenne Muscular Dystrophy (DMD); MUSCULAR DYSTROPHY, PSEUDOHYPERTROPHIC PROGRESSIVE, DUCHENNE TYPE. Identifiers: Orphanet 98896, MedGen C0013264, MONDO:0010679, OMIM 310200.
Dystrophin deficiency.
Cardiovascular phenotype. Identifiers: MedGen CN230736.

Allele frequency attached by ClinVar (database versions not stated): gnomAD exomes 0.00012; ExAC 0.00013; gnomAD 0.00023 and 0.00024; TOPMed 0.00025; ESP Exome Variant Server 0.00066.
gnomAD v4.1: 446 of 1,209,030 alleles (0.037%); highest among the groups gnomAD compares: Non-Finnish European, 0.047%; no homozygotes.

Submissions (8):

Labcorp Genetics (formerly Invitae), Labcorp
Classification: Benign for Duchenne muscular dystrophy. Last evaluated: 2025-12-17. Review status: criteria provided, single submitter. Criteria: Invitae Variant Classification Sherloc (09022015). Collection method: clinical testing. Allele origin: germline.

Blueprint Genetics
Classification: Likely benign. Last evaluated: 2024-09-27. Review status: criteria provided, single submitter. Criteria: ACMG Guidelines, 2015. Collection method: clinical testing. Allele origin: germline.

Mayo Clinic Laboratories, Mayo Clinic
Classification: Likely benign. Last evaluated: 2024-09-06. Review status: criteria provided, single submitter. Criteria: ACMG Guidelines, 2015. Collection method: clinical testing. Allele origin: germline. Observed: 1 variant allele.
Comment: BS2, BP1, BP4

CeGaT Center for Human Genetics Tuebingen
Classification: Likely benign. Last evaluated: 2022-12-01. Review status: criteria provided, single submitter. Criteria: CeGaT Center For Human Genetics Tuebingen Variant Classification Criteria Version 2. Collection method: clinical testing. Allele origin: germline. Affected: yes. Observed: 1 variant allele.
Comment: DMD: BP4, BS2

GeneDx
Classification: Likely benign. Last evaluated: 2019-08-27. Review status: criteria provided, single submitter. Criteria: GeneDx Variant Classification Process June 2021. Collection method: clinical testing. Allele origin: germline. Affected: yes.

Ambry Genetics
Classification: Likely benign for Cardiovascular phenotype. Last evaluated: 2019-06-25. Review status: criteria provided, single submitter. Criteria: Ambry Variant Classification Scheme 2023. Collection method: clinical testing. Allele origin: germline.

Eurofins Ntd Llc (ga)
Classification: Likely benign. Last evaluated: 2017-04-06. Review status: criteria provided, single submitter. Criteria: EGL Classification Definitions 2015. Collection method: clinical testing. Allele origin: germline. Observed: 1 variant allele, 1 heterozygote.

Natera, Inc.
Classification: Likely benign for Becker muscular dystrophy; Cardiomyopathy; Duchenne muscular dystrophy; Dystrophin deficiency. Last evaluated: 2019-08-02. Review status: no assertion criteria provided. Collection method: clinical testing. Allele origin: germline. Not counted in ClinVar's aggregate classification.

NM_004006.3(DMD):c.2884C>G (p.Leu962Val)

Gene: DMD (dystrophin; minus strand). Cytogenetic location: Xp21.1.
Variant type: single nucleotide variant.
Coding change: c.2884C>G on transcript NM_004006.3 (MANE Select); coding-DNA position 2884, C replaced by G.
Protein change: p.Leu962Val; replaces leucine 962 with valine.
Molecular consequence: missense variant.
Genome position (GRCh38, 1-based): chrX:32,472,229, G>C on the plus strand (C>G on the coding strand, the complement: DMD is on the minus strand). VCF-style: chrX-32472229-G-C. GRCh37 (hg19) VCF-style: chrX-32490346-G-C.
Other names: p.Leu962Val; c.2860C>G, p.Leu954Val (NM_000109.4); c.2872C>G, p.Leu958Val (NM_004009.3); c.2515C>G, p.Leu839Val (NM_004010.3); short protein forms L962V, L954V, L839V, L958V.
Identifiers: ClinVar variation 264229 (VCV000264229.48), dbSNP rs150959827, ClinGen allele CA10379416.